The following is an entry in ClinVar:

NM_002872.5(RAC2):c.233T>G (p.Phe78Cys)

Gene: RAC2 (Rac family small GTPase 2; minus strand). Cytogenetic location: 22q13.1.
Variant type: single nucleotide variant.
Coding change: c.233T>G on transcript NM_002872.5 (MANE Select); coding-DNA position 233, T replaced by G.
Protein change: p.Phe78Cys; replaces phenylalanine 78 with cysteine.
Molecular consequence: missense variant.
Genome position (GRCh38, 1-based): chr22:37,231,987, A>C on the plus strand (T>G on the coding strand, the complement: RAC2 is on the minus strand). VCF-style: chr22-37231987-A-C. GRCh37 (hg19) VCF-style: chr22-37628027-A-C.
Other names: short protein forms F78C.
Identifiers: ClinVar variation 4735070 (VCV004735070.1).
Genomic context (GRCh38, chr22:37,231,987, plus strand): 5'-CTCACCTTGGCGCGGACGTTCTCATAAGAGGCTGGGCTGACGAGGGAGAAGCAGATGAGG[A>C]AGACGTCCTGGGGACAGAGCAAGCGAGGTTGCTAGTGAGGAGGGCCCAGAGGTGTCCCAC-3'
Protein context (NP_002863.1, residues 68-88): RPLSYPQTDV[Phe78Cys]LICFSLVSPA

ClinVar aggregate classification (germline): Uncertain significance (1 of 4 stars; one submission).

Conditions:
Neutrophil immunodeficiency syndrome. Also called: Immunodeficiency 73A with defective neutrophil chemotaxis and leukocytosis. Identifiers: Orphanet 183707, MedGen C1842398, MONDO:0011988, OMIM 608203.

Submission:

Labcorp Genetics (formerly Invitae), Labcorp
Classification: Uncertain significance for Neutrophil immunodeficiency syndrome. Last evaluated: 2026-01-17. Review status: criteria provided, single submitter. Criteria: Invitae Variant Classification Sherloc (09022015). Collection method: clinical testing. Allele origin: germline.
Comment: This sequence change replaces phenylalanine, which is neutral and non-polar, with cysteine, which is neutral and slightly polar, at codon 78 of the RAC2 protein (p.Phe78Cys). This variant is not present in population databases (gnomAD no frequency). This variant has not been reported in the literature in individuals affected with RAC2-related conditions. An algorithm developed to predict the effect of missense changes on protein structure and function (PolyPhen-2) suggests that this variant is likely to be disruptive. In summary, the available evidence is currently insufficient to determine the role of this variant in disease. Therefore, it has been classified as a Variant of Uncertain Significance.